The following is an entry in ClinVar:

ClinVar aggregate classification (germline): Pathogenic (1 of 4 stars; one submission).

Conditions:
Heterotopia, periventricular, X-linked dominant (PVNH1). Also called: PERIVENTRICULAR NODULAR HETEROTOPIA 4; HETEROTOPIA, PERIVENTRICULAR, 1; PERIVENTRICULAR NODULAR HETEROTOPIA 1; X-linked periventricular heterotopia. Identifiers: Orphanet 2149, Orphanet 82004, MedGen C1848213, MONDO:0010233, OMIM 300049.
Oto-palato-digital syndrome, type II (OPD2). Also called: Otopalatodigital Syndrome, Type II; Otopalatodigital Syndrome Type 2 (FLNA-OPD2); FACIOPALATOOSSEOUS SYNDROME; OPD II SYNDROME. Identifiers: Orphanet 669, Orphanet 90652, MedGen C1844696, MONDO:0010571, OMIM 304120.
Melnick-Needles syndrome (MNS). Also called: Melnick-Needles Syndrome (FLNA-MNS); MELNICK-NEEDLES OSTEODYSPLASTY; OSTEODYSPLASTY OF MELNICK AND NEEDLES. Identifiers: Orphanet 2484, MedGen C0025237, MONDO:0010650, OMIM 309350.
Frontometaphyseal dysplasia (FMD1). Identifiers: Orphanet 1826, MedGen C0265293, MONDO:0015942.

Submission:

Labcorp Genetics (formerly Invitae), Labcorp
Classification: Pathogenic for Oto-palato-digital syndrome, type II; Heterotopia, periventricular, X-linked dominant; Frontometaphyseal dysplasia; Melnick-Needles syndrome. Last evaluated: 2019-07-19. Review status: criteria provided, single submitter. Criteria: Invitae Variant Classification Sherloc (09022015). Collection method: clinical testing. Allele origin: germline.
Comment: For these reasons, this variant has been classified as Pathogenic. Loss-of-function variants in FLNA are known to be pathogenic (PMID: 16684786, 20730588, 26471271). This variant has not been reported in the literature in individuals with FLNA-related conditions. This variant is not present in population databases (ExAC no frequency). This sequence change creates a premature translational stop signal (p.Asn762Glufs*60) in the FLNA gene. It is expected to result in an absent or disrupted protein product.

Literature cited by the submitters: PubMed 16684786; PubMed 20730588; PubMed 26471271.

NM_001110556.2(FLNA):c.2283dup (p.Asn762fs)

Gene: FLNA (filamin A; minus strand). Cytogenetic location: Xq28.
Variant type: Duplication.
Coding change: c.2283dup on transcript NM_001110556.2 (MANE Select); coding-DNA position 2283, one base duplicated (G; older notation c.2283dupG).
Protein change: p.Asn762fs; shifts the reading frame from asparagine 762.
Molecular consequence: frameshift variant.
Genome position (GRCh38, 1-based): chrX:154,362,782, C duplicated on the plus strand (G on the coding strand, the reverse complement: FLNA is on the minus strand). VCF-style (leftmost placement, unchanged base first): chrX-154362781-T-TC. GRCh37 (hg19) VCF-style: chrX-153591149-T-TC.
Other names: c.2283dup, p.Asn762fs (NM_001456.4); short protein forms N762fs.
Identifiers: ClinVar variation 959608 (VCV000959608.8), dbSNP rs2067723474, ClinGen allele CA1139667913.